The following is an entry in ClinVar:

ClinVar aggregate classification (germline): Uncertain significance (1 of 4 stars; one submission).

Conditions:
Malignant hyperthermia, susceptibility to, 1 (MHS1). Also called: Anesthesia related hyperthermia; Malignant hyperpyrexia; Fulminating hyperpyrexia; Pharmacogenic myopathy; RYR1-Related Malignant Hyperthermia Susceptibility; Malignant hyperthermia suceptibility 1. Identifiers: Orphanet 423, MedGen C2930980, MONDO:0007783, OMIM 145600.

Submission:

All of Us Research Program, National Institutes of Health
Classification: Uncertain significance for Malignant hyperthermia, susceptibility to, 1. Last evaluated: 2024-03-05. Review status: criteria provided, single submitter. Criteria: ACMG Guidelines, 2015. Collection method: clinical testing. Allele origin: germline. Inheritance: Autosomal dominant inheritance. Observed: 1 variant allele, 1 heterozygote.
Comment: This study involves interpretation of variants in research participants for the purpose of population health screening. Participant phenotype was not available at the time of variant classification. Additional details can be found in publication PMID: 35346344, PMCID: PMC8962531

NM_000540.3(RYR1):c.5228C>A (p.Ala1743Asp)

Gene: RYR1 (ryanodine receptor 1; plus strand). Cytogenetic location: 19q13.2.
Variant type: single nucleotide variant.
Coding change: c.5228C>A on transcript NM_000540.3 (MANE Select); coding-DNA position 5228, C replaced by A.
Protein change: p.Ala1743Asp; replaces alanine 1743 with aspartic acid.
Molecular consequence: missense variant.
Genome position (GRCh38, 1-based): chr19:38,485,883, C>A. VCF-style: chr19-38485883-C-A. GRCh37 (hg19) VCF-style: chr19-38976523-C-A.
Other names: c.5228C>A, p.Ala1743Asp (NM_001042723.2); short protein forms A1743D.
Identifiers: ClinVar variation 3387733 (VCV003387733.1).